The following is an entry in ClinVar:

NM_001291867.2(NHS):c.328_348del (p.Ser110_Ala116del)

Gene: NHS (NHS actin remodeling regulator; plus strand). Cytogenetic location: Xp22.2.
Variant type: Deletion.
Coding change: c.328_348del on transcript NM_001291867.2 (MANE Select); coding-DNA positions 328 to 348, 21 bases deleted (TCCTCGGCGGCGGCGGCGGCG).
Protein change: p.Ser110_Ala116del.
Molecular consequence: inframe deletion.
Genome position (GRCh38, 1-based): chrX:17,376,085-17,376,105, TCCTCGGCGGCGGCGGCGGCG deleted; deleting any 21 consecutive bases within chrX:17,376,081-17,376,105 gives the same sequence; the c. name uses the placement nearest the transcript's 3' end. VCF-style (leftmost placement, unchanged base first): chrX-17376080-AGGCGTCCTCGGCGGCGGCGGC-A. GRCh37 (hg19) VCF-style: chrX-17394203-AGGCGTCCTCGGCGGCGGCGGC-A.
Other names: c.328_348del, p.Ser110_Ala116del (NM_198270.4); c.328_348del (NM_198270.2).
Identifiers: ClinVar variation 3064414 (VCV003064414.4), dbSNP rs2519620050, ClinGen allele CA2740092034.

ClinVar aggregate classification (germline): Uncertain significance. Review status: criteria provided, multiple submitters, no conflicts (2 of 4 stars). 3 submissions from 3 submitters: Uncertain significance (3). Last evaluated 2024-03-25.

Conditions:
Nance-Horan syndrome (NHS). Identifiers: Orphanet 627, MedGen C0796085, MONDO:0010545, OMIM 302350.

Submissions (3):

Genomic Medicine Center of Excellence, King Faisal Specialist Hospital and Research Centre
Classification: Uncertain significance for Nance-Horan syndrome. Last evaluated: 2024-03-25. Review status: criteria provided, single submitter. Criteria: ACMG Guidelines, 2015. Collection method: research. Allele origin: germline.

GeneDx
Classification: Uncertain significance. Last evaluated: 2023-12-26. Review status: criteria provided, single submitter. Criteria: GeneDx Variant Classification Process June 2021. Collection method: clinical testing. Allele origin: germline. Affected: yes.
Comment: Not observed at significant frequency in large population cohorts (gnomAD); In silico analysis supports that this variant does not alter protein structure/function; Has not been previously published as pathogenic or benign to our knowledge

Blueprint Genetics
Classification: Uncertain significance. Last evaluated: 2020-12-09. Review status: criteria provided, single submitter. Criteria: ACMG Guidelines, 2015. Collection method: clinical testing. Allele origin: germline.